The following is an entry in ClinVar:

ClinVar aggregate classification (germline): Uncertain significance (1 of 4 stars; one submission).

Conditions:
Inborn genetic diseases. Identifiers: MedGen C0950123, MeSH D030342.

Allele frequency attached by ClinVar (database versions not stated): gnomAD exomes below 0.00001.
gnomAD v4.1: 2 of 1,606,754 alleles (0.00012%); highest among the groups gnomAD compares: Non-Finnish European, 0.00017%; no homozygotes.

Submission:

Ambry Genetics
Classification: Uncertain significance for Inborn genetic diseases. Last evaluated: 2022-10-11. Review status: criteria provided, single submitter. Criteria: Ambry Variant Classification Scheme 2023. Collection method: clinical testing. Allele origin: germline.
Comment: The p.G143A variant (also known as c.428G>C), located in coding exon 4 of the ATR gene, results from a G to C substitution at nucleotide position 428. The glycine at codon 143 is replaced by alanine, an amino acid with similar properties. This amino acid position is conserved. In addition, this alteration is predicted to be tolerated by in silico analysis. Since supporting evidence is limited at this time, the clinical significance of this alteration remains unclear.

NM_001184.4(ATR):c.428G>C (p.Gly143Ala)

Gene: ATR (ATR checkpoint kinase; minus strand). Cytogenetic location: 3q23.
Variant type: single nucleotide variant.
Coding change: c.428G>C on transcript NM_001184.4 (MANE Select); coding-DNA position 428, G replaced by C.
Protein change: p.Gly143Ala; replaces glycine 143 with alanine.
Molecular consequence: missense variant.
Genome position (GRCh38, 1-based): chr3:142,562,974, C>G on the plus strand (G>C on the coding strand, the complement: ATR is on the minus strand). VCF-style: chr3-142562974-C-G. GRCh37 (hg19) VCF-style: chr3-142281816-C-G.
Other names: c.428G>C, p.Gly143Ala (NM_001354579.2); short protein forms G143A.
Identifiers: ClinVar variation 1739419 (VCV001739419.2), dbSNP rs2473429710, ClinGen allele CA354827011.